The following is an entry in ClinVar:

NM_030957.4(ADAMTS10):c.1094C>T (p.Pro365Leu)

Gene: ADAMTS10 (ADAM metallopeptidase with thrombospondin type 1 motif 10; minus strand). Cytogenetic location: 19p13.2.
Variant type: single nucleotide variant.
Coding change: c.1094C>T on transcript NM_030957.4 (MANE Select); coding-DNA position 1094, C replaced by T.
Protein change: p.Pro365Leu; replaces proline 365 with leucine.
Molecular consequence: missense variant.
Genome position (GRCh38, 1-based): chr19:8,596,403, G>A on the plus strand (C>T on the coding strand, the complement: ADAMTS10 is on the minus strand). VCF-style: chr19-8596403-G-A. GRCh37 (hg19) VCF-style: chr19-8661287-G-A.
Other names: short protein forms P365L.
Identifiers: ClinVar variation 1363929 (VCV001363929.3), dbSNP rs1555740231, ClinGen allele CA403755733.

ClinVar aggregate classification (germline): Uncertain significance (1 of 4 stars; one submission).

Allele frequency attached by ClinVar (database versions not stated): gnomAD exomes below 0.00001.
gnomAD v4.1: 5 of 1,613,404 alleles (0.00031%); highest among the groups gnomAD compares: African/African-American, 0.0013%; no homozygotes.

Submission:

Labcorp Genetics (formerly Invitae), Labcorp
Classification: Uncertain significance. Last evaluated: 2022-07-19. Review status: criteria provided, single submitter. Criteria: Invitae Variant Classification Sherloc (09022015). Collection method: clinical testing. Allele origin: germline.
Comment: This sequence change replaces proline, which is neutral and non-polar, with leucine, which is neutral and non-polar, at codon 365 of the ADAMTS10 protein (p.Pro365Leu). This variant is not present in population databases (gnomAD no frequency). This variant has not been reported in the literature in individuals affected with ADAMTS10-related conditions. ClinVar contains an entry for this variant (Variation ID: 1363929). Algorithms developed to predict the effect of missense changes on protein structure and function (SIFT, PolyPhen-2, Align-GVGD) all suggest that this variant is likely to be disruptive. In summary, the available evidence is currently insufficient to determine the role of this variant in disease. Therefore, it has been classified as a Variant of Uncertain Significance.